The following is an entry in ClinVar:

NM_020458.4(TTC7A):c.2109del (p.Met704fs)

Gene: TTC7A (tetratricopeptide repeat domain 7A; plus strand). Cytogenetic location: 2p21.
Variant type: Deletion.
Coding change: c.2109del on transcript NM_020458.4 (MANE Select); coding-DNA position 2109, one base deleted (C; older notation c.2109delC).
Protein change: p.Met704fs; shifts the reading frame from methionine 704.
Molecular consequence: frameshift variant.
Genome position (GRCh38, 1-based): chr2:47,051,837, C deleted; the last of 4 consecutive C bases (chr2:47,051,834-47,051,837); deleting any one gives the same sequence. VCF-style (leftmost placement, unchanged base first): chr2-47051833-GC-G. GRCh37 (hg19) VCF-style: chr2-47278972-GC-G.
Other names: c.2181del, p.Met728fs (NM_001288951.2); c.2007del, p.Met670fs (NM_001288953.2); c.1047del, p.Met350fs (NM_001288955.2); short protein forms M704fs, M350fs, M670fs, M728fs.
Identifiers: ClinVar variation 2022174 (VCV002022174.4), dbSNP rs2467088466, ClinGen allele CA2580066578.

ClinVar aggregate classification (germline): Pathogenic (1 of 4 stars; one submission).

Conditions:
Multiple gastrointestinal atresias. Also called: Multiple intestinal atresia; FAMILIAL INTESTINAL POLYATRESIA SYNDROME. Identifiers: Orphanet 2300, MedGen C0220744, MONDO:0009465.

Submission:

Labcorp Genetics (formerly Invitae), Labcorp
Classification: Pathogenic for Multiple gastrointestinal atresias. Last evaluated: 2022-08-06. Review status: criteria provided, single submitter. Criteria: Invitae Variant Classification Sherloc (09022015). Collection method: clinical testing. Allele origin: germline.
Comment: This sequence change creates a premature translational stop signal (p.Met704Cysfs*54) in the TTC7A gene. It is expected to result in an absent or disrupted protein product. Loss-of-function variants in TTC7A are known to be pathogenic (PMID: 23830146, 24292712). For these reasons, this variant has been classified as Pathogenic. This variant has not been reported in the literature in individuals affected with TTC7A-related conditions. This variant is not present in population databases (gnomAD no frequency).

Literature cited by the submitters: PubMed 23830146; PubMed 24292712.